The following is an entry in ClinVar:

ClinVar aggregate classification (germline): Uncertain significance (1 of 4 stars; one submission).

Conditions:
ALG1-congenital disorder of glycosylation. Also called: CDG Ik; CONGENITAL DISORDER OF GLYCOSYLATION, TYPE Ik; ALG1-CDG. Identifiers: Orphanet 79327, MedGen C2931005, MONDO:0012052, OMIM 608540.

Allele frequency attached by ClinVar (database versions not stated): TOPMed below 0.00001.

Submission:

Labcorp Genetics (formerly Invitae), Labcorp
Classification: Uncertain significance for ALG1-congenital disorder of glycosylation. Last evaluated: 2021-10-04. Review status: criteria provided, single submitter. Criteria: Invitae Variant Classification Sherloc (09022015). Collection method: clinical testing. Allele origin: germline.
Comment: In summary, the available evidence is currently insufficient to determine the role of this variant in disease. Therefore, it has been classified as a Variant of Uncertain Significance. This sequence change replaces arginine with cysteine at codon 25 of the ALG1 protein (p.Arg25Cys). The arginine residue is moderately conserved and there is a large physicochemical difference between arginine and cysteine. This variant is not present in population databases (ExAC no frequency). This variant has not been reported in the literature in individuals affected with ALG1-related conditions. Advanced modeling of protein sequence and biophysical properties (such as structural, functional, and spatial information, amino acid conservation, physicochemical variation, residue mobility, and thermodynamic stability) performed at Invitae indicates that this missense variant is expected to disrupt ALG1 protein function.

NM_019109.5(ALG1):c.73C>T (p.Arg25Cys)

Genes: ALG1 (ALG1 chitobiosyldiphosphodolichol beta-mannosyltransferase; plus strand), LOC130058383 (ATAC-STARR-seq lymphoblastoid active region 10348; plus strand). Cytogenetic location: 16p13.3.
Variant type: single nucleotide variant.
Coding change: c.73C>T on transcript NM_019109.5 (MANE Select); coding-DNA position 73, C replaced by T.
Protein change: p.Arg25Cys; replaces arginine 25 with cysteine.
Molecular consequence: missense variant.
Genome position (GRCh38, 1-based): chr16:5,071,922, C>T. VCF-style: chr16-5071922-C-T. GRCh37 (hg19) VCF-style: chr16-5121923-C-T.
Other names: short protein forms R25C.
Identifiers: ClinVar variation 1429548 (VCV001429548.6), dbSNP rs1956823060, ClinGen allele CA394678515.